The following is an entry in ClinVar:

NM_001486.4(GCKR):c.1202C>T (p.Thr401Met)

Gene: GCKR (glucokinase regulator; plus strand). Cytogenetic location: 2p23.3.
Variant type: single nucleotide variant.
Coding change: c.1202C>T on transcript NM_001486.4 (MANE Select); coding-DNA position 1202, C replaced by T.
Protein change: p.Thr401Met; replaces threonine 401 with methionine.
Molecular consequence: missense variant.
Genome position (GRCh38, 1-based): chr2:27,507,739, C>T. VCF-style: chr2-27507739-C-T. GRCh37 (hg19) VCF-style: chr2-27730606-C-T.
Other names: short protein forms T401M.
Identifiers: ClinVar variation 2728650 (VCV002728650.3), dbSNP rs544395651, ClinGen allele CA1581891.
Genomic context (GRCh38, chr2:27,507,739, plus strand): 5'-AGGGTCCCCAGTTCACCTTCTCCCAGGAGGACTTCCTGACTTCCATCCTTCCCTCTCTCA[C>T]GGAAATCGATACTGTGGTCTTCATTTTCACCCTGGATGGTGAGAGGGAAGATGGGAGTGG-3'
Protein context (NP_001477.2, residues 391-411): DFLTSILPSL[Thr401Met]EIDTVVFIFT

ClinVar aggregate classification (germline): Uncertain significance (1 of 4 stars; one submission).

Allele frequency attached by ClinVar (database versions not stated): ExAC 0.00001; gnomAD exomes 0.00004; TOPMed 0.00005; gnomAD 0.00006.
gnomAD v4.1: 93 of 1,608,414 alleles (0.0058%); highest among the groups gnomAD compares: Middle Eastern, 0.033%; 1 homozygote.

Submission:

Labcorp Genetics (formerly Invitae), Labcorp
Classification: Uncertain significance. Last evaluated: 2023-01-02. Review status: criteria provided, single submitter. Criteria: Invitae Variant Classification Sherloc (09022015). Collection method: clinical testing. Allele origin: germline.
Comment: This sequence change replaces threonine, which is neutral and polar, with methionine, which is neutral and non-polar, at codon 401 of the GCKR protein (p.Thr401Met). This variant is present in population databases (rs544395651, gnomAD 0.006%). This variant has not been reported in the literature in individuals affected with GCKR-related conditions. Advanced modeling of protein sequence and biophysical properties (such as structural, functional, and spatial information, amino acid conservation, physicochemical variation, residue mobility, and thermodynamic stability) performed at Invitae indicates that this missense variant is not expected to disrupt GCKR protein function. In summary, the available evidence is currently insufficient to determine the role of this variant in disease. Therefore, it has been classified as a Variant of Uncertain Significance.